The following is an entry in ClinVar:

ClinVar aggregate classification (germline): Uncertain significance (1 of 4 stars; one submission).

Submission:

GeneDx
Classification: Uncertain significance. Last evaluated: 2025-06-10. Review status: criteria provided, single submitter. Criteria: GeneDx Variant Classification Process June 2021. Collection method: clinical testing. Allele origin: germline. Affected: yes.
Comment: Not observed at significant frequency in large population cohorts (gnomAD); In silico analysis suggests that this missense variant does not alter protein structure/function; Has not been previously published as pathogenic or benign to our knowledge

NM_006939.4(SOS2):c.1421G>C (p.Gly474Ala)

Gene: SOS2 (SOS Ras/Rho guanine nucleotide exchange factor 2; minus strand). Cytogenetic location: 14q21.3.
Variant type: single nucleotide variant.
Coding change: c.1421G>C on transcript NM_006939.4 (MANE Select); coding-DNA position 1421, G replaced by C.
Protein change: p.Gly474Ala; replaces glycine 474 with alanine.
Molecular consequence: missense variant.
Genome position (GRCh38, 1-based): chr14:50,159,862, C>G on the plus strand (G>C on the coding strand, the complement: SOS2 is on the minus strand). VCF-style: chr14-50159862-C-G. GRCh37 (hg19) VCF-style: chr14-50626580-C-G.
Other names: c.1322G>C, p.Gly441Ala (NM_001411020.1); short protein forms G441A, G474A.
Identifiers: ClinVar variation 4537580 (VCV004537580.1).